The following is an entry in ClinVar:

NM_001558.4(IL10RA):c.1141C>T (p.Pro381Ser)

Gene: IL10RA (interleukin 10 receptor subunit alpha; plus strand). Cytogenetic location: 11q23.3.
Variant type: single nucleotide variant.
Coding change: c.1141C>T on transcript NM_001558.4 (MANE Select); coding-DNA position 1141, C replaced by T.
Protein change: p.Pro381Ser; replaces proline 381 with serine.
Molecular consequence: missense variant. On other transcripts: non-coding transcript variant (1).
Genome position (GRCh38, 1-based): chr11:117,999,045, C>T. VCF-style: chr11-117999045-C-T. GRCh37 (hg19) VCF-style: chr11-117869760-C-T.
Other names: short protein forms P381S.
Identifiers: ClinVar variation 1941152 (VCV001941152.5), dbSNP rs2058074940, ClinGen allele CA382779880.

ClinVar aggregate classification (germline): Uncertain significance (1 of 4 stars; one submission).

Conditions:
Inflammatory bowel disease 28. Also called: Inflammatory bowel disease 28, early onset, autosomal recessive. Identifiers: Orphanet 238569, MedGen C2751053, MONDO:0013153, OMIM 613148.

Submission:

Labcorp Genetics (formerly Invitae), Labcorp
Classification: Uncertain significance for Inflammatory bowel disease 28. Last evaluated: 2023-11-27. Review status: criteria provided, single submitter. Criteria: Invitae Variant Classification Sherloc (09022015). Collection method: clinical testing. Allele origin: germline.
Comment: This sequence change replaces proline, which is neutral and non-polar, with serine, which is neutral and polar, at codon 381 of the IL10RA protein (p.Pro381Ser). This variant is not present in population databases (gnomAD no frequency). This variant has not been reported in the literature in individuals affected with IL10RA-related conditions. ClinVar contains an entry for this variant (Variation ID: 1941152). Advanced modeling of protein sequence and biophysical properties (such as structural, functional, and spatial information, amino acid conservation, physicochemical variation, residue mobility, and thermodynamic stability) performed at Invitae indicates that this missense variant is not expected to disrupt IL10RA protein function with a negative predictive value of 80%. In summary, the available evidence is currently insufficient to determine the role of this variant in disease. Therefore, it has been classified as a Variant of Uncertain Significance.